The following is an entry in ClinVar:

ClinVar aggregate classification (germline): Uncertain significance (1 of 4 stars; one submission).

Conditions:
Cockayne syndrome. Identifiers: Orphanet 191, MedGen C0009207, MONDO:0016006.
Xeroderma pigmentosum, group F (XPF). Also called: XERODERMA PIGMENTOSUM, COMPLEMENTATION GROUP F; XERODERMA PIGMENTOSUM, TYPE F; Xeroderma pigmentosum, type 6; ERCC4-Related Xeroderma Pigmentosum; XERODERMA PIGMENTOSUM VI; XP, GROUP F. Identifiers: MedGen C0268140, MONDO:0010215, OMIM 278760.
Fanconi anemia complementation group Q. Identifiers: Orphanet 84, MedGen C3808988, MONDO:0014108, OMIM 615272.

gnomAD v4.1: 1 of 1,612,766 alleles (0.000062%); highest among the groups gnomAD compares: Non-Finnish European, 0.000085%; no homozygotes.

Submission:

Labcorp Genetics (formerly Invitae), Labcorp
Classification: Uncertain significance for Fanconi anemia complementation group Q; Xeroderma pigmentosum, group F; Cockayne syndrome. Last evaluated: 2021-10-05. Review status: criteria provided, single submitter. Criteria: Invitae Variant Classification Sherloc (09022015). Collection method: clinical testing. Allele origin: germline.
Comment: In summary, the available evidence is currently insufficient to determine the role of this variant in disease. Therefore, it has been classified as a Variant of Uncertain Significance. Algorithms developed to predict the effect of missense changes on protein structure and function are either unavailable or do not agree on the potential impact of this missense change (SIFT: "Tolerated"; PolyPhen-2: "Possibly Damaging"; Align-GVGD: "Class C0"). This variant has not been reported in the literature in individuals affected with ERCC4-related conditions. This variant is not present in population databases (ExAC no frequency). This sequence change replaces valine with leucine at codon 641 of the ERCC4 protein (p.Val641Leu). The valine residue is highly conserved and there is a small physicochemical difference between valine and leucine.

NM_005236.3(ERCC4):c.1921G>C (p.Val641Leu)

Gene: ERCC4 (ERCC excision repair 4, endonuclease catalytic subunit; plus strand). Cytogenetic location: 16p13.12.
Variant type: single nucleotide variant.
Coding change: c.1921G>C on transcript NM_005236.3 (MANE Select); coding-DNA position 1921, G replaced by C.
Protein change: p.Val641Leu; replaces valine 641 with leucine.
Molecular consequence: missense variant.
Genome position (GRCh38, 1-based): chr16:13,944,739, G>C. VCF-style: chr16-13944739-G-C. GRCh37 (hg19) VCF-style: chr16-14038596-G-C.
Other names: short protein forms V641L.
Identifiers: ClinVar variation 1438856 (VCV001438856.6), dbSNP rs770771750, ClinGen allele CA394817416.